The following is an entry in ClinVar:

ClinVar aggregate classification (germline): Uncertain significance (1 of 4 stars; one submission).

Conditions:
Hereditary cancer-predisposing syndrome. Also called: Tumor predisposition; Hereditary neoplastic syndrome; Neoplastic Syndromes, Hereditary; Hereditary Cancer Syndrome. Identifiers: Orphanet 140162, MedGen C0027672, MeSH D009386, MONDO:0015356.

Submission:

Ambry Genetics
Classification: Uncertain significance for Hereditary cancer-predisposing syndrome. Last evaluated: 2025-03-28. Review status: criteria provided, single submitter. Criteria: Ambry Variant Classification Scheme 2023. Collection method: clinical testing. Allele origin: germline.
Comment: The p.I302T variant (also known as c.905T>C), located in coding exon 9 of the EPCAM gene, results from a T to C substitution at nucleotide position 905. The isoleucine at codon 302 is replaced by threonine, an amino acid with similar properties. This amino acid position is conserved. In addition, the in silico prediction for this alteration is inconclusive. Based on the available evidence, the clinical significance of this variant remains unclear.

NM_002354.3(EPCAM):c.905T>C (p.Ile302Thr)

Gene: EPCAM (epithelial cell adhesion molecule; plus strand). Cytogenetic location: 2p21.
Variant type: single nucleotide variant.
Coding change: c.905T>C on transcript NM_002354.3 (MANE Select); coding-DNA position 905, T replaced by C.
Protein change: p.Ile302Thr; replaces isoleucine 302 with threonine.
Molecular consequence: missense variant.
Genome position (GRCh38, 1-based): chr2:47,386,573, T>C. VCF-style: chr2-47386573-T-C. GRCh37 (hg19) VCF-style: chr2-47613712-T-C.
Other names: short protein forms I302T.
Identifiers: ClinVar variation 4018559 (VCV004018559.1).